The following is an entry in ClinVar:

ClinVar aggregate classification (germline): Likely benign (0 of 4 stars; one submission).

Conditions:
VSIG4-related disorder. Also called: VSIG4-related condition.

gnomAD v4.1: 46 of 1,209,749 alleles (0.0038%); highest among the groups gnomAD compares: Admixed American, 0.0044%; no homozygotes.

Submission:

PreventionGenetics, part of Exact Sciences
Classification: Likely benign for VSIG4-related condition. Last evaluated: 2019-03-06. Review status: no assertion criteria provided. Collection method: clinical testing. Allele origin: germline.
Comment: This variant is classified as likely benign based on ACMG/AMP sequence variant interpretation guidelines (Richards et al. 2015 PMID: 25741868, with internal and published modifications).

NM_007268.3(VSIG4):c.669C>T (p.Ser223=)

Gene: VSIG4 (V-set and immunoglobulin domain containing 4; minus strand). Cytogenetic location: Xq12.
Variant type: single nucleotide variant.
Coding change: c.669C>T on transcript NM_007268.3 (MANE Select); coding-DNA position 669, C replaced by T.
Protein change: p.Ser223=; no amino-acid change (serine 223 retained).
Molecular consequence: synonymous variant. On other transcripts: intron variant (2).
Genome position (GRCh38, 1-based): chrX:66,032,493, G>A on the plus strand (C>T on the coding strand, the complement: VSIG4 is on the minus strand). VCF-style: chrX-66032493-G-A. GRCh37 (hg19) VCF-style: chrX-65252335-G-A.
Other names: c.669C>T, p.Ser223= (NM_001184830.2, NM_001257403.2); c.412+981C>T (NM_001100431.2, NM_001184831.2).
Identifiers: ClinVar variation 3047062 (VCV003047062.2), dbSNP rs749453785, ClinGen allele CA10434976.